The following is an entry in ClinVar:

ClinVar aggregate classification (germline): Likely benign (0 of 4 stars; one submission).

Conditions:
KRT17-related disorder. Also called: KRT17-related condition.

Submission:

PreventionGenetics, part of Exact Sciences
Classification: Likely benign for KRT17-related condition. Last evaluated: 2019-05-01. Review status: no assertion criteria provided. Collection method: clinical testing. Allele origin: germline.
Comment: This variant is classified as likely benign based on ACMG/AMP sequence variant interpretation guidelines (Richards et al. 2015 PMID: 25741868, with internal and published modifications).

NM_000422.3(KRT17):c.1182-9_1182-8dup

Gene: KRT17 (keratin 17; minus strand). Cytogenetic location: 17q21.2.
Variant type: Duplication.
Coding change: c.1182-9_1182-8dup on transcript NM_000422.3 (MANE Select); 9 bases into the intron before coding-DNA position 1182 through 8 bases into the intron before coding-DNA position 1182, 2 bases duplicated (TT; older notation c.1182-9_1182-8dupTT).
Molecular consequence: intron variant.
Genome position (GRCh38, 1-based): chr17:41,620,566-41,620,567, AA duplicated on the plus strand (TT on the coding strand, the reverse complement: KRT17 is on the minus strand); duplicating any 2 consecutive bases within chr17:41,620,566-41,620,576 gives the same sequence; the c. name uses the placement nearest the transcript's 3' end. VCF-style (leftmost placement, unchanged base first): chr17-41620565-G-GAA. GRCh37 (hg19) VCF-style: chr17-39776817-G-GAA.
Identifiers: ClinVar variation 3037508 (VCV003037508.2), dbSNP rs528557416, ClinGen allele CA8563475.